The following is an entry in ClinVar:

ClinVar aggregate classification (germline): Conflicting classifications of pathogenicity. Review status: criteria provided, conflicting classifications (1 of 4 stars). 2 submissions from 2 submitters: Uncertain significance (1); Likely benign (1). Last evaluated 2024-07-30.

Conditions:
Developmental and epileptic encephalopathy, 30 (DEE30). Also called: Epileptic encephalopathy, early infantile, 30. Identifiers: MedGen C4225360, MONDO:0014595, OMIM 616341.

Allele frequency attached by ClinVar (database versions not stated): ESP Exome Variant Server 0.00008.

Submissions (2):

Labcorp Genetics (formerly Invitae), Labcorp
Classification: Uncertain significance for Developmental and epileptic encephalopathy, 30. Last evaluated: 2024-07-30. Review status: criteria provided, single submitter. Criteria: Invitae Variant Classification Sherloc (09022015). Collection method: clinical testing. Allele origin: germline.
Comment: This sequence change replaces alanine, which is neutral and non-polar, with serine, which is neutral and polar, at codon 641 of the SIK1 protein (p.Ala641Ser). This variant is present in population databases (rs368632078, gnomAD 0.003%). This variant has not been reported in the literature in individuals affected with SIK1-related conditions. ClinVar contains an entry for this variant (Variation ID: 934968). Advanced modeling of protein sequence and biophysical properties (such as structural, functional, and spatial information, amino acid conservation, physicochemical variation, residue mobility, and thermodynamic stability) performed at Invitae indicates that this missense variant is not expected to disrupt SIK1 protein function with a negative predictive value of 95%. In summary, the available evidence is currently insufficient to determine the role of this variant in disease. Therefore, it has been classified as a Variant of Uncertain Significance.

CeGaT Center for Human Genetics Tuebingen
Classification: Likely benign. Last evaluated: 2024-06-01. Review status: criteria provided, single submitter. Criteria: CeGaT Center For Human Genetics Tuebingen Variant Classification Criteria Version 2. Collection method: clinical testing. Allele origin: germline. Affected: yes. Observed: 2 variant alleles.
Comment: SIK1: BP4

NM_173354.5(SIK1):c.1921G>T (p.Ala641Ser)

Gene: SIK1 (salt inducible kinase 1; minus strand). Cytogenetic location: 21q22.3.
Variant type: single nucleotide variant.
Coding change: c.1921G>T on transcript NM_173354.5 (MANE Select); coding-DNA position 1921, G replaced by T.
Protein change: p.Ala641Ser; replaces alanine 641 with serine.
Molecular consequence: missense variant.
Genome position (GRCh38, 1-based): chr21:43,417,598, C>A on the plus strand (G>T on the coding strand, the complement: SIK1 is on the minus strand). VCF-style: chr21-43417598-C-A. GRCh37 (hg19) VCF-style: chr21-44837478-C-A.
Other names: short protein forms A641S.
Identifiers: ClinVar variation 934968 (VCV000934968.34), dbSNP rs368632078, ClinGen allele CA321324805.